The following is an entry in ClinVar:

ClinVar aggregate classification (germline): Likely benign (1 of 4 stars; one submission).

Submission:

CeGaT Center for Human Genetics Tuebingen
Classification: Likely benign. Last evaluated: 2024-11-01. Review status: criteria provided, single submitter. Criteria: CeGaT Center For Human Genetics Tuebingen Variant Classification Criteria Version 2. Collection method: clinical testing. Allele origin: germline. Affected: yes. Observed: 1 variant allele.
Comment: GRIP1: PM2:Supporting, BP4, BP7

NM_001366722.1(GRIP1):c.2415T>C (p.Ala805=)

Gene: GRIP1 (glutamate receptor interacting protein 1; minus strand). Cytogenetic location: 12q14.3.
Variant type: single nucleotide variant.
Coding change: c.2415T>C on transcript NM_001366722.1 (MANE Select); coding-DNA position 2415, T replaced by C.
Protein change: p.Ala805=; no amino-acid change (alanine 805 retained).
Molecular consequence: synonymous variant.
Genome position (GRCh38, 1-based): chr12:66,392,357, A>G on the plus strand (T>C on the coding strand, the complement: GRIP1 is on the minus strand). VCF-style: chr12-66392357-A-G. GRCh37 (hg19) VCF-style: chr12-66786137-A-G.
Other names: c.2259T>C, p.Ala753= (NM_001178074.2, NM_001379351.1, NM_021150.4); c.2334T>C, p.Ala778= (NM_001366723.1, NM_001379348.1); c.2337T>C, p.Ala779= (NM_001366724.1, NM_001379347.1); c.2493T>C, p.Ala831= (NM_001379345.1); c.2415T>C, p.Ala805= (NM_001379346.1); c.2262T>C, p.Ala754= (NM_001379349.1).
Identifiers: ClinVar variation 3390205 (VCV003390205.14).